The following is an entry in ClinVar:

NM_006208.3(ENPP1):c.2478G>T (p.Leu826Phe)

Gene: ENPP1 (ectonucleotide pyrophosphatase/phosphodiesterase 1; plus strand). Cytogenetic location: 6q23.2.
Variant type: single nucleotide variant.
Coding change: c.2478G>T on transcript NM_006208.3 (MANE Select); coding-DNA position 2478, G replaced by T.
Protein change: p.Leu826Phe; replaces leucine 826 with phenylalanine.
Molecular consequence: missense variant.
Genome position (GRCh38, 1-based): chr6:131,886,595, G>T. VCF-style: chr6-131886595-G-T. GRCh37 (hg19) VCF-style: chr6-132207735-G-T.
Other names: c.2478G>T (NM_006208.2); short protein forms L826F.
Identifiers: ClinVar variation 3593102 (VCV003593102.3).
Genomic context (GRCh38, chr6:131,886,595, plus strand): 5'-TAAAATGAATATTGGCATGTTTTACAGAAAAAGAAGAGTCATCCGTAACCAAGAAATTTT[G>T]ATTCCAACTCACTTCTTTATTGTGCTAACAAGCTGTAAAGATACATCTCAGACGCCTTTG-3'
Protein context (NP_006199.2, residues 816-836): KRRVIRNQEI[Leu826Phe]IPTHFFIVLT

ClinVar aggregate classification (germline): Uncertain significance. Review status: criteria provided, multiple submitters, no conflicts (2 of 4 stars). 3 submissions from 3 submitters: Uncertain significance (3). Last evaluated 2025-08-23.

Conditions:
Hypopigmentation-punctate palmoplantar keratoderma syndrome. Also called: GUTTATE HYPOPIGMENTATION AND PUNCTATE PALMOPLANTAR KERATODERMA WITH OR WITHOUT ECTOPIC CALCIFICATION; Cole disease. Identifiers: Orphanet 324561, MedGen C3809781, MONDO:0014227, OMIM 615522.
Inherited obesity. Also called: Monogenic Obesity. Identifiers: Orphanet 77828, MedGen C4054476, MONDO:0019182, OMIM 601665.
Type 2 diabetes mellitus. Also called: Type II diabetes mellitus. Identifiers: MedGen C0011860, MeSH D003924, MONDO:0005148, OMIM 125853, HP:0005978.
Arterial calcification, generalized, of infancy, 1 (GACI1). Also called: Idiopathic Infantile Arterial Calcification. Identifiers: Orphanet 51608, MedGen C4551985, MONDO:0008817, OMIM 208000.
Hypophosphatemic rickets, autosomal recessive, 2 (ARHR2). Identifiers: Orphanet 289176, MedGen C2750078, MONDO:0013219, OMIM 613312.
Inborn genetic diseases. Identifiers: MedGen C0950123, MeSH D030342.

gnomAD v4.1: 4 of 1,613,696 alleles (0.00025%); highest among the groups gnomAD compares: Admixed American, 0.005%; no homozygotes.

Submissions (3):

Ambry Genetics
Classification: Uncertain significance for Inborn genetic diseases. Last evaluated: 2025-08-23. Review status: criteria provided, single submitter. Criteria: Ambry Variant Classification Scheme 2023. Collection method: clinical testing. Allele origin: germline.

Labcorp Genetics (formerly Invitae), Labcorp
Classification: Uncertain significance. Last evaluated: 2025-03-24. Review status: criteria provided, single submitter. Criteria: Invitae Variant Classification Sherloc (09022015). Collection method: clinical testing. Allele origin: germline.
Comment: This sequence change replaces leucine, which is neutral and non-polar, with phenylalanine, which is neutral and non-polar, at codon 826 of the ENPP1 protein (p.Leu826Phe). This variant is not present in population databases (gnomAD no frequency). This variant has not been reported in the literature in individuals affected with ENPP1-related conditions. ClinVar contains an entry for this variant (Variation ID: 3593102). Invitae Evidence Modeling of protein sequence and biophysical properties (such as structural, functional, and spatial information, amino acid conservation, physicochemical variation, residue mobility, and thermodynamic stability) indicates that this missense variant is not expected to disrupt ENPP1 protein function with a negative predictive value of 80%. In summary, the available evidence is currently insufficient to determine the role of this variant in disease. Therefore, it has been classified as a Variant of Uncertain Significance.

Fulgent Genetics
Classification: Uncertain significance for Type 2 diabetes mellitus; Arterial calcification, generalized, of infancy, 1; Inherited obesity; Hypophosphatemic rickets, autosomal recessive, 2; Hypopigmentation-punctate palmoplantar keratoderma syndrome. Last evaluated: 2024-04-16. Review status: criteria provided, single submitter. Criteria: ACMG Guidelines, 2015. Collection method: clinical testing. Allele origin: germline.